The following is an entry in ClinVar:

ClinVar aggregate classification (germline): Conflicting classifications of pathogenicity. Review status: criteria provided, conflicting classifications (1 of 4 stars). 5 submissions from 5 submitters: Uncertain significance (3); Likely benign (2). Last evaluated 2026-01-07.

Conditions:
BAP1-related tumor predisposition syndrome (TPDS1). Also called: Tumor susceptibility linked to germline BAP1 mutations; BAP1 tumor predisposition syndrome; COMMON Syndrome; TUMOR PREDISPOSITION SYNDROME 1. Identifiers: Orphanet 289539, MedGen C3280492, MONDO:0013692, OMIM 614327.
Hereditary cancer-predisposing syndrome. Also called: Hereditary Cancer Syndrome; Neoplastic Syndromes, Hereditary; Tumor predisposition; Hereditary neoplastic syndrome. Identifiers: Orphanet 140162, MedGen C0027672, MeSH D009386, MONDO:0015356.

Allele frequency attached by ClinVar (database versions not stated): gnomAD 0.00002; gnomAD exomes 0.00002 and 0.00003; TOPMed 0.00003.

Submissions (5):

Labcorp Genetics (formerly Invitae), Labcorp
Classification: Likely benign for BAP1-related tumor predisposition syndrome. Last evaluated: 2026-01-07. Review status: criteria provided, single submitter. Criteria: Invitae Variant Classification Sherloc (09022015). Collection method: clinical testing. Allele origin: germline.

GeneDx
Classification: Uncertain significance. Last evaluated: 2024-10-03. Review status: criteria provided, single submitter. Criteria: GeneDx Variant Classification Process June 2021. Collection method: clinical testing. Allele origin: germline. Affected: yes.
Comment: Not observed at significant frequency in large population cohorts (gnomAD); In silico analysis supports a deleterious effect on splicing; Has not been previously published as pathogenic or benign to our knowledge

Myriad Genetics, Inc.
Classification: Likely benign for BAP1-related tumor predisposition syndrome. Last evaluated: 2024-07-16. Review status: criteria provided, single submitter. Criteria: Myriad Autosomal Dominant, Autosomal Recessive and X-Linked Classification Criteria (2023). Collection method: clinical testing. Allele origin: unknown.
Comment: This variant is considered likely benign. This variant is intronic and is not expected to impact mRNA splicing. This variant has been observed at a population frequency that is significantly greater than expected given the associated disease prevalence and penetrance.

Color Diagnostics, LLC DBA Color Health
Classification: Uncertain significance for Hereditary cancer-predisposing syndrome. Last evaluated: 2024-03-26. Review status: criteria provided, single submitter. Criteria: ACMG Guidelines, 2015. Collection method: clinical testing. Allele origin: germline.
Comment: This variant causes a G>A nucleotide substitution at the -11 position of intron 12 of the BAP1 gene. Splice site prediction tools suggest that this variant may impact RNA splicing. However, this prediction has not been confirmed in published RNA studies. This variant has not been reported in individuals affected with hereditary cancer in the literature. This variant has been identified in 5/282180 chromosomes in the general population by the Genome Aggregation Database (gnomAD). The available evidence is insufficient to determine the role of this variant in disease conclusively. Therefore, this variant is classified as a Variant of Uncertain Significance.

Baylor Genetics
Classification: Uncertain significance for BAP1-related tumor predisposition syndrome. Last evaluated: 2024-03-21. Review status: criteria provided, single submitter. Criteria: ACMG Guidelines, 2015. Collection method: clinical testing. Allele origin: unknown.

NM_004656.4(BAP1):c.1251-11G>A

Gene: BAP1 (BRCA1 associated deubiquitinase 1; minus strand). Cytogenetic location: 3p21.1.
Variant type: single nucleotide variant.
Coding change: c.1251-11G>A on transcript NM_004656.4 (MANE Select); 11 bases into the intron before coding-DNA position 1251, G replaced by A.
Molecular consequence: intron variant.
Genome position (GRCh38, 1-based): chr3:52,403,905, C>T on the plus strand (G>A on the coding strand, the complement: BAP1 is on the minus strand). VCF-style: chr3-52403905-C-T. GRCh37 (hg19) VCF-style: chr3-52437921-C-T.
Other names: c.1251-11G>A (LRG_529t1).
Identifiers: ClinVar variation 489609 (VCV000489609.21), dbSNP rs981419588, ClinGen allele CA74740991.